The following is an entry in ClinVar:

Conditions:
Complex neurodevelopmental disorder. Identifiers: Orphanet 528084, MedGen C5568766, MONDO:0100038.

Submission:

Channelopathy-Associated Epilepsy Research Center
No classification provided (evidence only). Condition: Complex neurodevelopmental disorder. Review status: no classification provided. Collection method: literature only. Allele origin: not applicable. Functional consequence: Normal slope of activation, Normal slope of fast inactivation, Normal voltage dependence of fast inactivation, Normal fast inactivation, Normal persistent current, Normal peak current, Normal rate of recovery from fast inactivation, Mild hyperpolarizing shift of voltage dependence of activation, Overall gain-of-function.
ClinVar note: "not provided" was previously submitted as the classification for the variant. However, the classification appeared to be based only on an observation of functional data so it was converted to no classification on 2025-07-30.

Literature cited by the submitters: PubMed 30144217.

NM_001040142.2(SCN2A):c.623T>A (p.Val208Glu)

Gene: SCN2A (sodium voltage-gated channel alpha subunit 2; plus strand). Cytogenetic location: 2q24.3.
Variant type: single nucleotide variant.
Coding change: c.623T>A on transcript NM_001040142.2 (MANE Select); coding-DNA position 623, T replaced by A.
Protein change: p.Val208Glu; replaces valine 208 with glutamic acid.
Molecular consequence: missense variant. On other transcripts: intron variant (2).
Genome position (GRCh38, 1-based): chr2:165,309,369, T>A. VCF-style: chr2-165309369-T-A. GRCh37 (hg19) VCF-style: chr2-166165879-T-A.
Other names: c.623T>A, p.Val208Glu (NM_001371247.1, NM_021007.3); c.697+113T>A (NM_001040143.2, NM_001371246.1); short protein forms V208E.
Identifiers: ClinVar variation 1727254 (VCV001727254.2), dbSNP rs2467886890, ClinGen allele CA349017344.